The following is an entry in ClinVar:

ClinVar aggregate classification (germline): Uncertain significance. Review status: criteria provided, multiple submitters, no conflicts (2 of 4 stars). 2 submissions from 2 submitters: Uncertain significance (2). Last evaluated 2025-12-01.

Conditions:
Hereditary cancer-predisposing syndrome. Also called: Tumor predisposition; Hereditary neoplastic syndrome; Hereditary Cancer Syndrome; Neoplastic Syndromes, Hereditary. Identifiers: Orphanet 140162, MedGen C0027672, MeSH D009386, MONDO:0015356.
EGFR-related lung cancer (EGFR). Identifiers: MedGen CN130014.

Allele frequency attached by ClinVar (database versions not stated): TOPMed below 0.00001; gnomAD exomes 0.00001.
gnomAD v4.1: 19 of 1,614,278 alleles (0.0012%); highest among the groups gnomAD compares: South Asian, 0.0022%; no homozygotes.

Submissions (2):

Labcorp Genetics (formerly Invitae), Labcorp
Classification: Uncertain significance for EGFR-related lung cancer. Last evaluated: 2025-12-01. Review status: criteria provided, single submitter. Criteria: Invitae Variant Classification Sherloc (09022015). Collection method: clinical testing. Allele origin: germline.
Comment: This sequence change replaces arginine, which is basic and polar, with glutamine, which is neutral and polar, at codon 531 of the EGFR protein (p.Arg531Gln). This variant is present in population databases (no rsID available, gnomAD 0.003%). This variant has not been reported in the literature in individuals affected with EGFR-related conditions. ClinVar contains an entry for this variant (Variation ID: 962103). Invitae Evidence Modeling of protein sequence and biophysical properties (such as structural, functional, and spatial information, amino acid conservation, physicochemical variation, residue mobility, and thermodynamic stability) has been performed for this missense variant. However, the output from this modeling did not meet the statistical confidence thresholds required to predict the impact of this variant on EGFR protein function. In summary, the available evidence is currently insufficient to determine the role of this variant in disease. Therefore, it has been classified as a Variant of Uncertain Significance.

Ambry Genetics
Classification: Uncertain significance for Hereditary cancer-predisposing syndrome. Last evaluated: 2025-03-31. Review status: criteria provided, single submitter. Criteria: Ambry Variant Classification Scheme 2023. Collection method: clinical testing. Allele origin: germline.
Comment: The p.R531Q variant (also known as c.1592G>A), located in coding exon 13 of the EGFR gene, results from a G to A substitution at nucleotide position 1592. The arginine at codon 531 is replaced by glutamine, an amino acid with highly similar properties. This amino acid position is highly conserved in available vertebrate species. In addition, the in silico prediction for this alteration is inconclusive. Based on the available evidence, the clinical significance of this variant remains unclear.

NM_005228.5(EGFR):c.1592G>A (p.Arg531Gln)

Gene: EGFR (epidermal growth factor receptor; plus strand). Cytogenetic location: 7p11.2.
Variant type: single nucleotide variant.
Coding change: c.1592G>A on transcript NM_005228.5 (MANE Select); coding-DNA position 1592, G replaced by A.
Protein change: p.Arg531Gln; replaces arginine 531 with glutamine.
Molecular consequence: missense variant.
Genome position (GRCh38, 1-based): chr7:55,161,592, G>A. VCF-style: chr7-55161592-G-A. GRCh37 (hg19) VCF-style: chr7-55229285-G-A.
Other names: c.1457G>A, p.Arg486Gln (NM_001346897.2, NM_001346899.2); c.1592G>A, p.Arg531Gln (NM_001346898.2, NM_201282.2, NM_201284.2); c.1433G>A, p.Arg478Gln (NM_001346900.2); c.791G>A, p.Arg264Gln (NM_001346941.2); short protein forms R478Q, R531Q, R264Q, R486Q.
Identifiers: ClinVar variation 962103 (VCV000962103.11), dbSNP rs1330512770, ClinGen allele CA367579958.